The following is an entry in ClinVar:

ClinVar aggregate classification (germline): Uncertain significance (1 of 4 stars; one submission).

gnomAD v4.1: 1 of 1,522,654 alleles (0.000066%); no homozygotes.

Submission:

Labcorp Genetics (formerly Invitae), Labcorp
Classification: Uncertain significance. Last evaluated: 2025-02-13. Review status: criteria provided, single submitter. Criteria: Invitae Variant Classification Sherloc (09022015). Collection method: clinical testing. Allele origin: germline.
Comment: This sequence change falls in intron 23 of the ARMC9 gene. It does not directly change the encoded amino acid sequence of the ARMC9 protein. It affects a nucleotide within the consensus splice site. This variant is not present in population databases (gnomAD no frequency). This variant has not been reported in the literature in individuals affected with ARMC9-related conditions. Variants that disrupt the consensus splice site are a relatively common cause of aberrant splicing (PMID: 17576681, 9536098). Algorithms developed to predict the effect of sequence changes on RNA splicing suggest that this variant may disrupt the consensus splice site. In summary, the available evidence is currently insufficient to determine the role of this variant in disease. Therefore, it has been classified as a Variant of Uncertain Significance.

Literature cited by the submitters: PubMed 17576681; PubMed 9536098.

NM_001352754.2(ARMC9):c.2434+5G>A

Gene: ARMC9 (armadillo repeat containing 9; plus strand). Cytogenetic location: 2q37.1.
Variant type: single nucleotide variant.
Coding change: c.2434+5G>A on transcript NM_001352754.2 (MANE Select); 5 bases into the intron after coding-DNA position 2434, G replaced by A.
Molecular consequence: intron variant.
Genome position (GRCh38, 1-based): chr2:231,370,130, G>A. VCF-style: chr2-231370130-G-A. GRCh37 (hg19) VCF-style: chr2-232234841-G-A.
Other names: c.2434+5G>A (NM_001271466.4).
Identifiers: ClinVar variation 4700638 (VCV004700638.1).